The following is an entry in ClinVar:

ClinVar aggregate classification (germline): Uncertain significance (1 of 4 stars; one submission).

Allele frequency attached by ClinVar (database versions not stated): gnomAD exomes below 0.00001; gnomAD 0.00001.
gnomAD v4.1: 4 of 1,508,014 alleles (0.00027%); highest among the groups gnomAD compares: African/African-American, 0.0014%; no homozygotes.

Submission:

GeneDx
Classification: Uncertain significance. Last evaluated: 2022-05-27. Review status: criteria provided, single submitter. Criteria: GeneDx Variant Classification Process June 2021. Collection method: clinical testing. Allele origin: germline. Affected: yes.
Comment: Not observed at significant frequency in large population cohorts (gnomAD); In silico analysis supports that this missense variant does not alter protein structure/function; Has not been previously published as pathogenic or benign to our knowledge

NM_005883.3(APC2):c.3376A>G (p.Ile1126Val)

Gene: APC2 (APC regulator of WNT signaling pathway 2; plus strand). Cytogenetic location: 19p13.3.
Variant type: single nucleotide variant.
Coding change: c.3376A>G on transcript NM_005883.3 (MANE Select); coding-DNA position 3376, A replaced by G.
Protein change: p.Ile1126Val; replaces isoleucine 1126 with valine.
Molecular consequence: missense variant.
Genome position (GRCh38, 1-based): chr19:1,466,677, A>G. VCF-style: chr19-1466677-A-G. GRCh37 (hg19) VCF-style: chr19-1466676-A-G.
Other names: c.3373A>G, p.Ile1125Val (NM_001351273.1); short protein forms I1125V, I1126V.
Identifiers: ClinVar variation 1801102 (VCV001801102.1), dbSNP rs780220749, ClinGen allele CA9045679.